The following is an entry in ClinVar:

NM_005359.6(SMAD4):c.1086T>C (p.Phe362=)

Gene: SMAD4 (SMAD family member 4; plus strand). Cytogenetic location: 18q21.2.
Variant type: single nucleotide variant.
Coding change: c.1086T>C on transcript NM_005359.6 (MANE Select); coding-DNA position 1086, T replaced by C.
Protein change: p.Phe362=; no amino-acid change (phenylalanine 362 retained).
Molecular consequence: synonymous variant.
Genome position (GRCh38, 1-based): chr18:51,065,553, T>C. VCF-style: chr18-51065553-T-C. GRCh37 (hg19) VCF-style: chr18-48591923-T-C.
Other names: p.F362F:TTT>TTC.
Identifiers: ClinVar variation 132693 (VCV000132693.88), dbSNP rs1801250, ClinGen allele CA293629.

ClinVar aggregate classification (germline): Benign/Likely benign. Review status: criteria provided, multiple submitters, no conflicts (2 of 4 stars). 29 submissions from 26 submitters: Benign (15); Likely benign (7). 7 of the submissions do not count toward it. Last evaluated 2026-08-01.

Conditions:
Hereditary cancer-predisposing syndrome. Also called: Neoplastic Syndromes, Hereditary; Tumor predisposition; Hereditary neoplastic syndrome; Hereditary Cancer Syndrome. Identifiers: Orphanet 140162, MedGen C0027672, MeSH D009386, MONDO:0015356.
Familial thoracic aortic aneurysm and aortic dissection (TAAD). Also called: Thoracic aortic aneurysms and dissections. Identifiers: Orphanet 91387, MedGen C4707243, MONDO:0019625.
Juvenile polyposis syndrome (JPS). Identifiers: Orphanet 2929, MedGen C0345893, MONDO:0017380, OMIM 174900.
Myhre syndrome (MYHRS). Also called: LARYNGOTRACHEAL STENOSIS, ARTHROPATHY, PROGNATHISM, AND SHORT STATURE; LAPS SYNDROME. Identifiers: Orphanet 2588, MedGen C0796081, MONDO:0007688, OMIM 139210.
Generalized juvenile polyposis/juvenile polyposis coli. Also called: Juvenile polyposis coli. Identifiers: Orphanet 329971, MedGen C1868081, MONDO:0008276.
Juvenile polyposis/hereditary hemorrhagic telangiectasia syndrome (JPHT). Also called: Juvenile Polyposis Syndrome / Hereditary Hemorrhagic Telangiectasia (JPS/HHT); JP/HHT SYNDROME; JUVENILE POLYPOSIS WITH HEREDITARY HEMORRHAGIC TELANGIECTASIA; POLYPOSIS, GENERALIZED JUVENILE, WITH PULMONARY ARTERIOVENOUS MALFORMATION; TELANGIECTASIA, HEREDITARY HEMORRHAGIC, WITH JUVENILE POLYPOSIS COLI. Identifiers: Orphanet 2929, MedGen C1832942, MONDO:0008278, OMIM 175050.

Allele frequency attached by ClinVar (database versions not stated): gnomAD exomes 0.00127 and 0.00182; ExAC 0.00172; ESP Exome Variant Server 0.00208; gnomAD 0.00220 and 0.00228; TOPMed 0.00243; 1000 Genomes Project 30x 0.00312; 1000 Genomes Project 0.00319.
gnomAD v4.1: 2,320 of 1,614,186 alleles (0.14%); highest among the groups gnomAD compares: Middle Eastern, 0.68%; 13 homozygotes.

Submissions 1 to 20 of 29:

CeGaT Center for Human Genetics Tuebingen
Classification: Likely benign. Last evaluated: 2026-08-01. Review status: criteria provided, single submitter. Criteria: CeGaT Center For Human Genetics Tuebingen Variant Classification Criteria Version 2. Collection method: clinical testing. Allele origin: germline. Affected: yes. Observed: 55 variant alleles.
Comment: SMAD4: BP4, BS1

Labcorp Genetics (formerly Invitae), Labcorp
Classification: Benign for Juvenile polyposis syndrome. Last evaluated: 2026-02-04. Review status: criteria provided, single submitter. Criteria: Invitae Variant Classification Sherloc (09022015). Collection method: clinical testing. Allele origin: germline.

ARUP Laboratories, Molecular Genetics and Genomics, ARUP Laboratories
Classification: Benign. Last evaluated: 2025-06-24. Review status: criteria provided, single submitter. Criteria: ARUP Molecular Germline Variant Investigation Process 2024. Collection method: clinical testing. Allele origin: germline.

Molecular Diagnostic Laboratory for Inherited Cardiovascular Disease, Montreal Heart Institute
Classification: Benign. Last evaluated: 2025-04-09. Review status: criteria provided, single submitter. Criteria: ACMG Guidelines, 2015. Collection method: clinical testing. Allele origin: germline. Affected: no.

Myriad Genetics, Inc.
Classification: Benign for Juvenile polyposis/hereditary hemorrhagic telangiectasia syndrome. Last evaluated: 2025-03-21. Review status: criteria provided, single submitter. Criteria: Myriad Autosomal Dominant, Autosomal Recessive and X-Linked Classification Criteria (2023). Collection method: clinical testing. Allele origin: unknown.
Comment: This variant is considered benign. This variant is a silent/synonymous amino acid change and it is not expected to impact splicing.

Center for Genomic Medicine, Rigshospitalet, Copenhagen University Hospital
Classification: Likely benign. Last evaluated: 2025-03-04. Review status: criteria provided, single submitter. Criteria: ACMG Guidelines, 2015. Collection method: clinical testing. Allele origin: germline.

KCCC/NGS Laboratory, Kuwait Cancer Control Center
Classification: Benign for Myhre syndrome. Last evaluated: 2025-02-01. Review status: criteria provided, single submitter. Criteria: ACMG Guidelines, 2015. Collection method: clinical testing. Allele origin: germline. Affected: no.

Blueprint Genetics
Classification: Likely benign. Last evaluated: 2024-11-27. Review status: criteria provided, single submitter. Criteria: ACMG Guidelines, 2015. Collection method: clinical testing. Allele origin: germline.

KCCC/NGS Laboratory, Kuwait Cancer Control Center
Classification: Benign for Juvenile polyposis syndrome. Last evaluated: 2023-07-07. Review status: criteria provided, single submitter. Criteria: ACMG Guidelines, 2015. Collection method: clinical testing. Allele origin: germline. Affected: yes.

Quest Diagnostics Nichols Institute San Juan Capistrano
Classification: Benign. Last evaluated: 2022-08-24. Review status: criteria provided, single submitter. Criteria: Quest Diagnostics criteria. Collection method: clinical testing. Allele origin: unknown.

Genetic Services Laboratory, University of Chicago
Classification: Benign. Last evaluated: 2019-04-25. Review status: criteria provided, single submitter. Criteria: ACMG Guidelines, 2015. Collection method: clinical testing. Allele origin: germline. Affected: no.

Eurofins Ntd Llc (ga)
Classification: Likely benign. Last evaluated: 2018-03-27. Review status: criteria provided, single submitter. Criteria: EGL ClinVar v180209 classification definitions. Collection method: clinical testing. Allele origin: germline. Observed: 1 variant allele, 1 heterozygote.

Illumina Laboratory Services, Illumina
Classification: Benign for Myhre syndrome. Last evaluated: 2018-01-13. Review status: criteria provided, single submitter. Criteria: ICSL Variant Classification Criteria 13 December 2019. Collection method: clinical testing. Allele origin: germline.
Comment: This variant was observed in the ICSL laboratory as part of a predisposition screen in an ostensibly healthy population. It had not been previously curated by ICSL or reported in the Human Gene Mutation Database (HGMD: prior to June 1st, 2018), and was therefore a candidate for classification through an automated scoring system. Utilizing variant allele frequency, disease prevalence and penetrance estimates, and inheritance mode, an automated score was calculated to assess if this variant is too frequent to cause the disease. Based on the score and internal cut-off values, a variant classified as benign is not then subjected to further curation. The score for this variant resulted in a classification of benign for this disease.

Illumina Laboratory Services, Illumina
Classification: Likely benign for Juvenile polyposis/hereditary hemorrhagic telangiectasia syndrome. Last evaluated: 2018-01-13. Review status: criteria provided, single submitter. Criteria: ICSL Variant Classification Criteria 13 December 2019. Collection method: clinical testing. Allele origin: germline.
Comment: This variant was observed in the ICSL laboratory as part of a predisposition screen in an ostensibly healthy population. It had not been previously curated by ICSL or reported in the Human Gene Mutation Database (HGMD: prior to June 1st, 2018), and was therefore a candidate for classification through an automated scoring system. Utilizing variant allele frequency, disease prevalence and penetrance estimates, and inheritance mode, an automated score was calculated to assess if this variant is too frequent to cause the disease. Based on the score and internal cut-off values, a variant classified as likely benign is not then subjected to further curation. The score for this variant resulted in a classification of likely benign for this disease.

Illumina Laboratory Services, Illumina
Classification: Benign for Juvenile polyposis syndrome. Last evaluated: 2018-01-13. Review status: criteria provided, single submitter. Criteria: ICSL Variant Classification Criteria 13 December 2019. Collection method: clinical testing. Allele origin: germline.
Comment: the same text as in the submission from Illumina Laboratory Services, Illumina above.

CHEO Genetics Diagnostic Laboratory, Children's Hospital of Eastern Ontario
Classification: Benign for Familial thoracic aortic aneurysm and aortic dissection. Last evaluated: 2017-08-16. Review status: criteria provided, single submitter. Criteria: ACMG Guidelines, 2015. Collection method: clinical testing. Allele origin: germline. Study: Canadian Open Genetics Repository.

PreventionGenetics, part of Exact Sciences
Classification: Benign. Last evaluated: 2016-12-14. Review status: criteria provided, single submitter. Criteria: ACMG Guidelines, 2015. Collection method: clinical testing. Allele origin: germline.

Color Diagnostics, LLC DBA Color Health
Classification: Benign for Hereditary cancer-predisposing syndrome. Last evaluated: 2016-03-17. Review status: criteria provided, single submitter. Criteria: ACMG Guidelines, 2015. Collection method: clinical testing. Allele origin: germline.

Women's Health and Genetics/Laboratory Corporation of America, LabCorp
Classification: Benign. Last evaluated: 2016-02-23. Review status: criteria provided, single submitter. Criteria: LabCorp Variant Classification Summary - May 2015. Collection method: clinical testing. Allele origin: germline.
Comment: Variant summary: The c.1086T>C in SMAD4 gene is a synonymous change that involves a conserved nucleotide. 5/5 programs in Alamut predict that this variant does not affect normal splicing, however no functional studies supporting this notion were published at the time of evaluation. The variant was found in multiple affected individuals presented with personal and/or family history of cancer. It is present in the control population dataset of ExAC at frequency of 0.17%, including 2 homozygous occurrences. The observed frequency exceeds the maximum expected allele frequency for a pathogenic SMAD4 variant, suggesting that it is a common polymorphism. However, some of these occurrences may potentially be due to a presence of a processed pseudogene, and, therefore, should be taken with cautions. Lastly, the variant has been reported as Likely Benign/Benign by reputable databases/clinical laboratories. Taken together, this variant has been classified as Benign.

Ambry Genetics
Classification: Likely benign for Hereditary cancer-predisposing syndrome; Familial thoracic aortic aneurysm and aortic dissection. Last evaluated: 2014-09-25. Review status: criteria provided, single submitter. Criteria: Ambry Variant Classification Scheme 2023. Collection method: clinical testing. Allele origin: germline.